The following is an entry in ClinVar:

NM_000334.4(SCN4A):c.1680C>G (p.Cys560Trp)

Gene: SCN4A (sodium voltage-gated channel alpha subunit 4; minus strand). Cytogenetic location: 17q23.3.
Variant type: single nucleotide variant.
Coding change: c.1680C>G on transcript NM_000334.4 (MANE Select); coding-DNA position 1680, C replaced by G.
Protein change: p.Cys560Trp; replaces cysteine 560 with tryptophan.
Molecular consequence: missense variant.
Genome position (GRCh38, 1-based): chr17:63,961,358, G>C on the plus strand (C>G on the coding strand, the complement: SCN4A is on the minus strand). VCF-style: chr17-63961358-G-C. GRCh37 (hg19) VCF-style: chr17-62038718-G-C.
Other names: short protein forms C560W.
Identifiers: ClinVar variation 3907891 (VCV003907891.1).

ClinVar aggregate classification (germline): Uncertain significance (1 of 4 stars; one submission).

gnomAD v4.1: 1 of 1,613,880 alleles (0.000062%); no homozygotes.

Submission:

GeneDx
Classification: Uncertain significance. Last evaluated: 2024-12-30. Review status: criteria provided, single submitter. Criteria: GeneDx Variant Classification Process June 2021. Collection method: clinical testing. Allele origin: germline. Affected: yes.
Comment: Not observed at significant frequency in large population cohorts (gnomAD); In silico analysis supports that this missense variant has a deleterious effect on protein structure/function; Has not been previously published as pathogenic or benign to our knowledge